The following is an entry in ClinVar:

ClinVar aggregate classification (germline): Uncertain significance (1 of 4 stars; one submission).

Conditions:
Muscular dystrophy-dystroglycanopathy (congenital with brain and eye anomalies), type a, 8 (MDDGA8). Also called: WALKER-WARBURG SYNDROME OR MUSCLE-EYE-BRAIN DISEASE, GTDC2-RELATED. Identifiers: Orphanet 899, MedGen C3553813, MONDO:0013904, OMIM 614830.

Allele frequency attached by ClinVar (database versions not stated): gnomAD 0.00001 and 0.00002; gnomAD exomes 0.00001 and 0.00002; TOPMed 0.00001; ExAC 0.00006; 1000 Genomes Project 0.00020; 1000 Genomes Project 30x 0.00031.
gnomAD v4.1: 23 of 1,598,906 alleles (0.0014%); highest among the groups gnomAD compares: East Asian, 0.0089%; no homozygotes.

Submission:

Labcorp Genetics (formerly Invitae), Labcorp
Classification: Uncertain significance for Muscular dystrophy-dystroglycanopathy (congenital with brain and eye anomalies), type a, 8. Last evaluated: 2022-08-24. Review status: criteria provided, single submitter. Criteria: Invitae Variant Classification Sherloc (09022015). Collection method: clinical testing. Allele origin: germline.
Comment: This sequence change replaces serine, which is neutral and polar, with leucine, which is neutral and non-polar, at codon 13 of the POMGNT2 protein (p.Ser13Leu). This variant is present in population databases (rs550179595, gnomAD 0.02%). This variant has not been reported in the literature in individuals affected with POMGNT2-related conditions. ClinVar contains an entry for this variant (Variation ID: 1025519). Algorithms developed to predict the effect of missense changes on protein structure and function are either unavailable or do not agree on the potential impact of this missense change (SIFT: "Deleterious"; PolyPhen-2: "Not Available"; Align-GVGD: "Class C65"). In summary, the available evidence is currently insufficient to determine the role of this variant in disease. Therefore, it has been classified as a Variant of Uncertain Significance.

NM_032806.6(POMGNT2):c.38C>T (p.Ser13Leu)

Gene: POMGNT2 (protein O-linked mannose N-acetylglucosaminyltransferase 2 (beta 1,4-); minus strand). Cytogenetic location: 3p22.1.
Variant type: single nucleotide variant.
Coding change: c.38C>T on transcript NM_032806.6 (MANE Select); coding-DNA position 38, C replaced by T.
Protein change: p.Ser13Leu; replaces serine 13 with leucine.
Molecular consequence: missense variant.
Genome position (GRCh38, 1-based): chr3:43,081,394, G>A on the plus strand (C>T on the coding strand, the complement: POMGNT2 is on the minus strand). VCF-style: chr3-43081394-G-A. GRCh37 (hg19) VCF-style: chr3-43122886-G-A.
Other names: short protein forms S13L.
Identifiers: ClinVar variation 1025519 (VCV001025519.2), dbSNP rs550179595, ClinGen allele CA2340172.